The following is an entry in ClinVar:

ClinVar aggregate classification (germline): Pathogenic (1 of 4 stars; one submission).

Submission:

Labcorp Genetics (formerly Invitae), Labcorp
Classification: Pathogenic. Last evaluated: 2024-02-02. Review status: criteria provided, single submitter. Criteria: Invitae Variant Classification Sherloc (09022015). Collection method: clinical testing. Allele origin: germline.
Comment: This sequence change creates a premature translational stop signal (p.Trp22Leufs*53) in the COQ8B gene. It is expected to result in an absent or disrupted protein product. Loss-of-function variants in COQ8B are known to be pathogenic (PMID: 24270420). This variant is present in population databases (no rsID available, gnomAD 0.0009%). This variant has not been reported in the literature in individuals affected with COQ8B-related conditions. For these reasons, this variant has been classified as Pathogenic.

Literature cited by the submitters: PubMed 24270420.

NM_024876.4(COQ8B):c.57_60del (p.Trp22fs)

Gene: COQ8B (coenzyme Q8B; minus strand). Cytogenetic location: 19q13.2.
Variant type: Deletion.
Coding change: c.57_60del on transcript NM_024876.4 (MANE Select); coding-DNA positions 57 to 60, 4 bases deleted (TGTT; older notation c.57_60delTGTT).
Protein change: p.Trp22fs; shifts the reading frame from tryptophan 22.
Molecular consequence: frameshift variant.
Genome position (GRCh38, 1-based): chr19:40,714,573-40,714,576, AACA deleted on the plus strand (TGTT on the coding strand, the reverse complement: COQ8B is on the minus strand). VCF-style (leftmost placement, unchanged base first): chr19-40714572-CAACA-C. GRCh37 (hg19) VCF-style: chr19-41220477-CAACA-C.
Other names: c.57_60del, p.Trp22fs (NM_001142555.3); short protein forms W22fs.
Identifiers: ClinVar variation 3675482 (VCV003675482.2).